The following is an entry in ClinVar:

ClinVar aggregate classification (germline): Uncertain significance. Review status: criteria provided, multiple submitters, no conflicts (2 of 4 stars). 2 submissions from 2 submitters: Uncertain significance (2). Last evaluated 2024-05-20.

Allele frequency attached by ClinVar (database versions not stated): gnomAD 0.00001; TOPMed 0.00002; ExAC 0.00003; gnomAD exomes 0.00003.
gnomAD v4.1: 44 of 1,612,936 alleles (0.0027%); highest among the groups gnomAD compares: East Asian, 0.018%; no homozygotes.

Submissions (2):

Labcorp Genetics (formerly Invitae), Labcorp
Classification: Uncertain significance. Last evaluated: 2024-05-20. Review status: criteria provided, single submitter. Criteria: Invitae Variant Classification Sherloc (09022015). Collection method: clinical testing. Allele origin: germline.
Comment: This sequence change replaces glycine, which is neutral and non-polar, with glutamic acid, which is acidic and polar, at codon 4309 of the HMCN1 protein (p.Gly4309Glu). This variant is present in population databases (rs750723105, gnomAD 0.03%). This missense change has been observed in individual(s) with clinical features of HMCN1-related conditions (Invitae). ClinVar contains an entry for this variant (Variation ID: 2512550). An algorithm developed to predict the effect of missense changes on protein structure and function (PolyPhen-2) suggests that this variant is likely to be disruptive. In summary, the available evidence is currently insufficient to determine the role of this variant in disease. Therefore, it has been classified as a Variant of Uncertain Significance.

Ambry Genetics
Classification: Uncertain significance. Last evaluated: 2023-05-18. Review status: criteria provided, single submitter. Criteria: Ambry Variant Classification Scheme 2023. Collection method: clinical testing. Allele origin: germline.

NM_031935.3(HMCN1):c.12926G>A (p.Gly4309Glu)

Gene: HMCN1 (hemicentin 1; plus strand). Cytogenetic location: 1q31.1.
Variant type: single nucleotide variant.
Coding change: c.12926G>A on transcript NM_031935.3 (MANE Select); coding-DNA position 12926, G replaced by A.
Protein change: p.Gly4309Glu; replaces glycine 4309 with glutamic acid.
Molecular consequence: missense variant.
Genome position (GRCh38, 1-based): chr1:186,129,987, G>A. VCF-style: chr1-186129987-G-A. GRCh37 (hg19) VCF-style: chr1-186099119-G-A.
Other names: short protein forms G4309E.
Identifiers: ClinVar variation 2512550 (VCV002512550.4), dbSNP rs750723105, ClinGen allele CA1294502.